The following is an entry in ClinVar:

ClinVar aggregate classification (germline): Conflicting classifications of pathogenicity. Review status: criteria provided, conflicting classifications (1 of 4 stars). 2 submissions from 2 submitters: Uncertain significance (1); Likely benign (1). Last evaluated 2025-01-19.

Conditions:
TNXB-related disorder. Also called: TNXB-related condition.
Cardiovascular phenotype. Identifiers: MedGen CN230736.

Allele frequency attached by ClinVar (database versions not stated): gnomAD exomes 0.00001; gnomAD 0.00002; TOPMed 0.00002; ExAC 0.00005.
gnomAD v4.1: 23 of 1,576,840 alleles (0.0015%); highest among the groups gnomAD compares: Non-Finnish European, 0.0019%; no homozygotes.

Submissions (2):

Ambry Genetics
Classification: Likely benign for Cardiovascular phenotype. Last evaluated: 2025-01-19. Review status: criteria provided, single submitter. Criteria: Ambry Variant Classification Scheme 2023. Collection method: clinical testing. Allele origin: germline.

PreventionGenetics, part of Exact Sciences
Classification: Uncertain significance for TNXB-related condition. Last evaluated: 2023-04-18. Review status: criteria provided, single submitter. Criteria: ACMG Guidelines, 2015. Collection method: clinical testing. Allele origin: germline.
Comment: The TNXB c.10350G>A variant is not predicted to result in an amino acid change (p.=). This variant is predicted to create a cryptic splice acceptor site based on available splicing prediction programs (Alamut Visual Plus v1.6.1). To our knowledge, this variant has not been reported in the literature. This variant is reported in 0.0071% of alleles in individuals of African descent in gnomAD. At this time, the clinical significance of this variant is uncertain due to the absence of conclusive functional and genetic evidence.

NM_001365276.2(TNXB):c.10356G>A (p.Leu3452=)

Gene: TNXB (tenascin XB; minus strand). Cytogenetic location: 6p21.33.
Variant type: single nucleotide variant.
Coding change: c.10356G>A on transcript NM_001365276.2 (MANE Select); coding-DNA position 10356, G replaced by A.
Protein change: p.Leu3452=; no amino-acid change (leucine 3452 retained).
Molecular consequence: synonymous variant.
Genome position (GRCh38, 1-based): chr6:32,046,425, C>T on the plus strand (G>A on the coding strand, the complement: TNXB is on the minus strand). VCF-style: chr6-32046425-C-T. GRCh37 (hg19) VCF-style: chr6-32014202-C-T.
Other names: c.10350G>A, p.Leu3450= (NM_019105.8).
Identifiers: ClinVar variation 2635024 (VCV002635024.2), dbSNP rs764965013, ClinGen allele CA3733248.
Genomic context (GRCh38, chr6:32,046,425, plus strand): 5'-GGCTACCGTCCAGGACAGGCGCAGAGAGCTGGAGGTCTCCTCAGCCACGGTCAGTTCCCC[C>T]AGGTGGGGAGGTAGCTCCTTCTCCAGGGGAGCTGTGCAGAGGGAGGAGGGAAAGCTCTTA-3'
Protein context (NP_001352205.1, residues 3442-3462): APLEKELPPH[Leu3452=]GELTVAEETS